The following is an entry in ClinVar:

NM_001458.5(FLNC):c.2920_2929+6delinsTCCA

Gene: FLNC (filamin C; plus strand). Cytogenetic location: 7q32.1.
Variant type: Indel.
Coding change: c.2920_2929+6delinsTCCA on transcript NM_001458.5 (MANE Select); coding-DNA position 2920 through 6 bases into the intron after coding-DNA position 2929, CTTAATAGCAGTAAGT replaced by TCCA.
Molecular consequence: splice donor variant.
Genome position (GRCh38, 1-based): chr7:128,843,904-128,843,919, CTTAATAGCAGTAAGT replaced by TCCA. VCF-style: chr7-128843904-CTTAATAGCAGTAAGT-TCCA. GRCh37 (hg19) VCF-style: chr7-128483958-CTTAATAGCAGTAAGT-TCCA.
Other names: c.2920_2929+6delinsTCCA (NM_001127487.2).
Identifiers: ClinVar variation 4812709 (VCV004812709.1).
Genomic context (GRCh38, chr7:128,843,904, plus strand): 5'-AGCCCCTTTGTGGTGAATGTGGCACCCCCGCTGGACCTCAGCAAAATCAAAGTTCAGGGC[CTTAATAGCAGTAAGT>TCCA]GGGGCAAGAGCCACCCTGGGAGTGAGGGGTATTCGGGTAGGGTGGACCGGAGTCTCCTCA-3'

ClinVar aggregate classification (germline): Likely pathogenic (1 of 4 stars; one submission).

Conditions:
Hypertrophic cardiomyopathy 26. Also called: Cardiomyopathy, familial hypertrophic, 26. Identifiers: Orphanet 75249, MedGen C4310749, MONDO:0014883, OMIM 617047.
Myofibrillar myopathy 5. Also called: Filaminopathy (type); FILAMINOPATHY, AUTOSOMAL DOMINANT. Identifiers: Orphanet 171445, MedGen C1836050, MONDO:0012289, OMIM 609524.
Distal myopathy with posterior leg and anterior hand involvement. Also called: WILLIAMS DISTAL MYOPATHY. Identifiers: Orphanet 63273, MedGen C3279722, MONDO:0013550, OMIM 614065.

Submission:

Labcorp Genetics (formerly Invitae), Labcorp
Classification: Likely pathogenic for Distal myopathy with posterior leg and anterior hand involvement; Myofibrillar myopathy 5; Hypertrophic cardiomyopathy 26. Last evaluated: 2021-12-15. Review status: criteria provided, single submitter. Criteria: Invitae Variant Classification Sherloc (09022015). Collection method: clinical testing. Allele origin: germline.
Comment: This variant is not present in population databases (gnomAD no frequency). In summary, the currently available evidence indicates that the variant is pathogenic, but additional data are needed to prove that conclusively. Therefore, this variant has been classified as Likely Pathogenic. Algorithms developed to predict the effect of sequence changes on RNA splicing suggest that this variant may disrupt the consensus splice site. This variant has not been reported in the literature in individuals affected with FLNC-related conditions. This variant results in the deletion of part of exon 19 (c.2920_2929+6delinsTCCCA) of the FLNC gene. It is expected to disrupt RNA splicing. Variants that disrupt the donor or acceptor splice site typically lead to a loss of protein function (PMID: 16199547), and loss-of-function variants in FLNC are known to be pathogenic (PMID: 27908349).

Literature cited by the submitters: PubMed 16199547; PubMed 27908349.